The following is an entry in ClinVar:

NM_001012720.2(RGR):c.790A>C (p.Asn264His)

Gene: RGR (retinal G protein coupled receptor; plus strand). Cytogenetic location: 10q23.1.
Variant type: single nucleotide variant.
Coding change: c.790A>C on transcript NM_001012720.2 (MANE Select); coding-DNA position 790, A replaced by C.
Protein change: p.Asn264His; replaces asparagine 264 with histidine.
Molecular consequence: missense variant.
Genome position (GRCh38, 1-based): chr10:84,258,553, A>C. VCF-style: chr10-84258553-A-C. GRCh37 (hg19) VCF-style: chr10-86018309-A-C.
Other names: c.676A>C, p.Asn226His (NM_001012722.2); c.802A>C, p.Asn268His (NM_002921.4); short protein forms N226H, N264H, N268H.
Identifiers: ClinVar variation 1960080 (VCV001960080.5), dbSNP rs142268655, ClinGen allele CA5581591.
Genomic context (GRCh38, chr10:84,258,553, plus strand): 5'-TTTCTGCCACAACAGGTGCCCGCCCTCATTGCCAAAATGGTGCCCACGATCAATGCCATC[A>C]ACTATGCCCTGGGCAATGAGATGGTCTGCAGGGGAATCTGGCAGTGCCTCTCACCGCAGA-3'
Protein context (NP_001012738.1, residues 254-274): AKMVPTINAI[Asn264His]YALGNEMVCR

ClinVar aggregate classification (germline): Uncertain significance (1 of 4 stars; one submission).

Allele frequency attached by ClinVar (database versions not stated): ExAC 0.00001; gnomAD 0.00001; TOPMed 0.00003; gnomAD exomes 0.00004; ESP Exome Variant Server 0.00008.
gnomAD v4.1: 57 of 1,614,064 alleles (0.0035%); highest among the groups gnomAD compares: Non-Finnish European, 0.0048%; no homozygotes.

Submission:

Labcorp Genetics (formerly Invitae), Labcorp
Classification: Uncertain significance. Last evaluated: 2022-09-28. Review status: criteria provided, single submitter. Criteria: Invitae Variant Classification Sherloc (09022015). Collection method: clinical testing. Allele origin: germline.
Comment: This sequence change replaces asparagine, which is neutral and polar, with histidine, which is basic and polar, at codon 264 of the RGR protein (p.Asn264His). This variant is present in population databases (rs142268655, gnomAD 0.003%). This variant has not been reported in the literature in individuals affected with RGR-related conditions. In summary, the available evidence is currently insufficient to determine the role of this variant in disease. Therefore, it has been classified as a Variant of Uncertain Significance. Algorithms developed to predict the effect of missense changes on protein structure and function output the following: SIFT: "Tolerated"; PolyPhen-2: "Not Available"; Align-GVGD: "Class C0". The histidine amino acid residue is found in multiple mammalian species, which suggests that this missense change does not adversely affect protein function.